The following is an entry in ClinVar:

NM_001170700.3(DTHD1):c.1505C>G (p.Thr502Ser)

Gene: DTHD1 (death domain containing 1; plus strand). Cytogenetic location: 4p14.
Variant type: single nucleotide variant.
Coding change: c.1505C>G on transcript NM_001170700.3 (MANE Select); coding-DNA position 1505, C replaced by G.
Protein change: p.Thr502Ser; replaces threonine 502 with serine.
Molecular consequence: missense variant. On other transcripts: non-coding transcript variant (2).
Genome position (GRCh38, 1-based): chr4:36,294,901, C>G. VCF-style: chr4-36294901-C-G. GRCh37 (hg19) VCF-style: chr4-36296523-C-G.
Other names: c.635C>G, p.Thr212Ser (NM_001136536.5); c.572C>G, p.Thr191Ser (NM_001378435.1); short protein forms T212S, T191S, T502S.
Identifiers: ClinVar variation 1997080 (VCV001997080.4), dbSNP rs2529730987, ClinGen allele CA356679953.
Genomic context (GRCh38, chr4:36,294,901, plus strand): 5'-AAGATACTTTCTACTCAGTCCAATCCACAAGCCCTCTGATTCACATTCAGCACCCATCAA[C>G]TTATCCTTTTCAGAAGCCAGTCACTTTGTTTTTACCTTGTTCTCCATACCTTGATAAAAA-3'
Protein context (NP_001164171.2, residues 492-512): SPLIHIQHPS[Thr502Ser]YPFQKPVTLF

ClinVar aggregate classification (germline): Uncertain significance (1 of 4 stars; one submission).

Allele frequency attached by ClinVar (database versions not stated): gnomAD exomes below 0.00001.
gnomAD v4.1: 1 of 1,551,984 alleles (0.000064%); highest among the groups gnomAD compares: Non-Finnish European, 0.000087%; no homozygotes.

Submission:

Labcorp Genetics (formerly Invitae), Labcorp
Classification: Uncertain significance. Last evaluated: 2025-04-16. Review status: criteria provided, single submitter. Criteria: Invitae Variant Classification Sherloc (09022015). Collection method: clinical testing. Allele origin: germline.
Comment: This sequence change replaces threonine, which is neutral and polar, with serine, which is neutral and polar, at codon 212 of the DTHD1 protein (p.Thr212Ser). This variant is not present in population databases (gnomAD no frequency). This variant has not been reported in the literature in individuals affected with DTHD1-related conditions. ClinVar contains an entry for this variant (Variation ID: 1997080). An algorithm developed to predict the effect of missense changes on protein structure and function (PolyPhen-2) suggests that this variant is likely to be tolerated. In summary, the available evidence is currently insufficient to determine the role of this variant in disease. Therefore, it has been classified as a Variant of Uncertain Significance.